The following is an entry in ClinVar:

ClinVar aggregate classification (germline): Uncertain significance. Review status: criteria provided, multiple submitters, no conflicts (2 of 4 stars). 3 submissions from 3 submitters: Uncertain significance (2). 1 of the submissions does not count toward it. Last evaluated 2022-10-03.

Conditions:
Decreased circulating carnitine concentration. Also called: Decreased plasma carnitine. Identifiers: MedGen C5848230, HP:0003234.
Renal carnitine transport defect (CDSP). Also called: Systemic primary carnitine deficiency; Carnitine transporter deficiency; Carnitine Deficiency, Systemic; Primary carnitine deficiency; CARNITINE DEFICIENCY, SYSTEMIC, DUE TO DEFECT IN RENAL REABSORPTION OF CARNITINE; CARNITINE TRANSPORTER, PLASMA-MEMBRANE, DEFICIENCY OF. Identifiers: Orphanet 158, MedGen C0342788, MONDO:0008919, OMIM 212140.

Allele frequency attached by ClinVar (database versions not stated): gnomAD exomes below 0.00001; TOPMed 0.00001; gnomAD 0.00003.

Submissions (3):

Labcorp Genetics (formerly Invitae), Labcorp
Classification: Uncertain significance for Renal carnitine transport defect. Last evaluated: 2022-10-03. Review status: criteria provided, single submitter. Criteria: Invitae Variant Classification Sherloc (09022015). Collection method: clinical testing. Allele origin: germline.
Comment: This sequence change replaces alanine, which is neutral and non-polar, with threonine, which is neutral and polar, at codon 44 of the SLC22A5 protein (p.Ala44Thr). This variant is not present in population databases (gnomAD no frequency). This variant has not been reported in the literature in individuals affected with SLC22A5-related conditions. ClinVar contains an entry for this variant (Variation ID: 965162). Advanced modeling of protein sequence and biophysical properties (such as structural, functional, and spatial information, amino acid conservation, physicochemical variation, residue mobility, and thermodynamic stability) performed at Invitae indicates that this missense variant is expected to disrupt SLC22A5 protein function. In summary, the available evidence is currently insufficient to determine the role of this variant in disease. Therefore, it has been classified as a Variant of Uncertain Significance.

Fulgent Genetics
Classification: Uncertain significance for Renal carnitine transport defect. Last evaluated: 2021-08-20. Review status: criteria provided, single submitter. Criteria: ACMG Guidelines, 2015. Collection method: clinical testing. Allele origin: unknown.

Natera, Inc.
Classification: Uncertain significance for Carnitine deficiency. Last evaluated: 2020-05-29. Review status: no assertion criteria provided. Collection method: clinical testing. Allele origin: germline. Not counted in ClinVar's aggregate classification.

NM_003060.4(SLC22A5):c.130G>A (p.Ala44Thr)

Gene: SLC22A5 (solute carrier family 22 member 5; plus strand). Cytogenetic location: 5q31.1.
Variant type: single nucleotide variant.
Coding change: c.130G>A on transcript NM_003060.4 (MANE Select); coding-DNA position 130, G replaced by A.
Protein change: p.Ala44Thr; replaces alanine 44 with threonine.
Molecular consequence: missense variant.
Genome position (GRCh38, 1-based): chr5:132,370,102, G>A. VCF-style: chr5-132370102-G-A. GRCh37 (hg19) VCF-style: chr5-131705794-G-A.
Other names: c.130G>A, p.Ala44Thr (NM_001308122.2); short protein forms A44T.
Identifiers: ClinVar variation 965162 (VCV000965162.9), dbSNP rs1266620798, ClinGen allele CA360802438.
Genomic context (GRCh38, chr5:132,370,102, plus strand): 5'-CTGCTCAGCGCCAGCATCATCCCCAATGGCTTCACCGGCCTGTCCTCCGTGTTCCTGATA[G>A]CGACCCCGGAGCACCGCTGCCGGGTGCCGGACGCCGCGAACCTGAGCAGCGCCTGGCGCA-3'
Protein context (NP_003051.1, residues 34-54): FTGLSSVFLI[Ala44Thr]TPEHRCRVPD